The following is an entry in ClinVar:

ClinVar aggregate classification (germline): Likely benign. Review status: criteria provided, multiple submitters, no conflicts (2 of 4 stars). 2 submissions from 2 submitters: Likely benign (2). Last evaluated 2025-12-01.

Conditions:
Mucopolysaccharidosis, MPS-IV-A (MPS4A). Also called: Mucopolysaccharidosis Type IVA; Morquio syndrome A, mild; Mucopolysaccharidosis type IV A; MORQUIO SYNDROME A; mucopolysaccharidosis type 4A; MPS IVA. Identifiers: Orphanet 309297, Orphanet 582, MedGen C0086651, MONDO:0009659, OMIM 253000.

Allele frequency attached by ClinVar (database versions not stated): ExAC 0.00001; gnomAD 0.00001; gnomAD exomes 0.00002; TOPMed 0.00003.
gnomAD v4.1: 28 of 1,613,284 alleles (0.0017%); highest among the groups gnomAD compares: South Asian, 0.0066%; no homozygotes.

Submissions (2):

CeGaT Center for Human Genetics Tuebingen
Classification: Likely benign. Last evaluated: 2025-12-01. Review status: criteria provided, single submitter. Criteria: CeGaT Center For Human Genetics Tuebingen Variant Classification Criteria Version 2. Collection method: clinical testing. Allele origin: germline. Affected: yes. Observed: 1 variant allele.
Comment: GALNS: BP4, BP7

Labcorp Genetics (formerly Invitae), Labcorp
Classification: Likely benign for Mucopolysaccharidosis, MPS-IV-A. Last evaluated: 2024-05-26. Review status: criteria provided, single submitter. Criteria: Invitae Variant Classification Sherloc (09022015). Collection method: clinical testing. Allele origin: germline.

NM_000512.5(GALNS):c.987C>T (p.His329=)

Gene: GALNS (galactosamine (N-acetyl)-6-sulfatase; minus strand). Cytogenetic location: 16q24.3.
Variant type: single nucleotide variant.
Coding change: c.987C>T on transcript NM_000512.5 (MANE Select); coding-DNA position 987, C replaced by T.
Protein change: p.His329=; no amino-acid change (histidine 329 retained).
Molecular consequence: synonymous variant.
Genome position (GRCh38, 1-based): chr16:88,832,013, G>A on the plus strand (C>T on the coding strand, the complement: GALNS is on the minus strand). VCF-style: chr16-88832013-G-A. GRCh37 (hg19) VCF-style: chr16-88898421-G-A.
Other names: c.432C>T, p.His144= (NM_001323543.2); c.1005C>T, p.His335= (NM_001323544.2).
Identifiers: ClinVar variation 712943 (VCV000712943.11), dbSNP rs750730964, ClinGen allele CA8234884.